The following is an entry in ClinVar:

NM_002181.4(IHH):c.11C>A (p.Ala4Asp)

Gene: IHH (Indian hedgehog signaling molecule; minus strand). Cytogenetic location: 2q35.
Variant type: single nucleotide variant.
Coding change: c.11C>A on transcript NM_002181.4 (MANE Select); coding-DNA position 11, C replaced by A.
Protein change: p.Ala4Asp; replaces alanine 4 with aspartic acid.
Molecular consequence: missense variant.
Genome position (GRCh38, 1-based): chr2:219,060,457, G>T on the plus strand (C>A on the coding strand, the complement: IHH is on the minus strand). VCF-style: chr2-219060457-G-T. GRCh37 (hg19) VCF-style: chr2-219925179-G-T.
Other names: short protein forms A4D.
Identifiers: ClinVar variation 1505589 (VCV001505589.8), dbSNP rs1233903791, ClinGen allele CA350637805.

ClinVar aggregate classification (germline): Uncertain significance (1 of 4 stars; one submission).

Allele frequency attached by ClinVar (database versions not stated): TOPMed below 0.00001; gnomAD 0.00001.

Submission:

Labcorp Genetics (formerly Invitae), Labcorp
Classification: Uncertain significance. Last evaluated: 2021-03-25. Review status: criteria provided, single submitter. Criteria: Invitae Variant Classification Sherloc (09022015). Collection method: clinical testing. Allele origin: germline.
Comment: In summary, the available evidence is currently insufficient to determine the role of this variant in disease. Therefore, it has been classified as a Variant of Uncertain Significance. Algorithms developed to predict the effect of missense changes on protein structure and function (SIFT, PolyPhen-2, Align-GVGD) all suggest that this variant is likely to be tolerated, but these predictions have not been confirmed by published functional studies and their clinical significance is uncertain. This variant has not been reported in the literature in individuals with IHH-related conditions. The frequency data for this variant in the population databases is considered unreliable, as metrics indicate insufficient coverage at this position in the ExAC database. This sequence change replaces alanine with aspartic acid at codon 4 of the IHH protein (p.Ala4Asp). The alanine residue is weakly conserved and there is a moderate physicochemical difference between alanine and aspartic acid.